The following is an entry in ClinVar:

ClinVar aggregate classification (germline): Uncertain significance (1 of 4 stars; one submission).

Conditions:
Inborn genetic diseases. Identifiers: MedGen C0950123, MeSH D030342.

Submission:

Ambry Genetics
Classification: Uncertain significance for Inborn genetic diseases. Last evaluated: 2025-02-25. Review status: criteria provided, single submitter. Criteria: Ambry Variant Classification Scheme 2023. Collection method: clinical testing. Allele origin: germline.
Comment: The p.P590R variant (also known as c.1769C>G), located in coding exon 14 of the FANCG gene, results from a C to G substitution at nucleotide position 1769. The proline at codon 590 is replaced by arginine, an amino acid with dissimilar properties. This amino acid position is conserved. In addition, the in silico prediction for this alteration is inconclusive. Based on the available evidence, the clinical significance of this variant remains unclear.

NM_004629.2(FANCG):c.1769C>G (p.Pro590Arg)

Gene: FANCG (FA complementation group G; minus strand). Cytogenetic location: 9p13.3.
Variant type: single nucleotide variant.
Coding change: c.1769C>G on transcript NM_004629.2 (MANE Select); coding-DNA position 1769, C replaced by G.
Protein change: p.Pro590Arg; replaces proline 590 with arginine.
Molecular consequence: missense variant.
Genome position (GRCh38, 1-based): chr9:35,074,208, G>C on the plus strand (C>G on the coding strand, the complement: FANCG is on the minus strand). VCF-style: chr9-35074208-G-C. GRCh37 (hg19) VCF-style: chr9-35074205-G-C.
Other names: short protein forms P590R.
Identifiers: ClinVar variation 3848452 (VCV003848452.1).